The following is an entry in ClinVar:

ClinVar aggregate classification (germline): Uncertain significance (1 of 4 stars; one submission).

Submission:

Labcorp Genetics (formerly Invitae), Labcorp
Classification: Uncertain significance. Last evaluated: 2022-05-05. Review status: criteria provided, single submitter. Criteria: Invitae Variant Classification Sherloc (09022015). Collection method: clinical testing. Allele origin: germline.
Comment: In summary, the available evidence is currently insufficient to determine the role of this variant in disease. Therefore, it has been classified as a Variant of Uncertain Significance. Algorithms developed to predict the effect of missense changes on protein structure and function (SIFT, PolyPhen-2, Align-GVGD) all suggest that this variant is likely to be tolerated. This variant has not been reported in the literature in individuals affected with EYS-related conditions. This variant is not present in population databases (gnomAD no frequency). This sequence change replaces proline, which is neutral and non-polar, with alanine, which is neutral and non-polar, at codon 961 of the EYS protein (p.Pro961Ala).

NM_001142800.2(EYS):c.2881C>G (p.Pro961Ala)

Gene: EYS (EGF-like photoreceptor maintenance factor; minus strand). Cytogenetic location: 6q12.
Variant type: single nucleotide variant.
Coding change: c.2881C>G on transcript NM_001142800.2 (MANE Select); coding-DNA position 2881, C replaced by G.
Protein change: p.Pro961Ala; replaces proline 961 with alanine.
Molecular consequence: missense variant.
Genome position (GRCh38, 1-based): chr6:64,886,808, G>C on the plus strand (C>G on the coding strand, the complement: EYS is on the minus strand). VCF-style: chr6-64886808-G-C. GRCh37 (hg19) VCF-style: chr6-65596701-G-C.
Other names: c.2881C>G, p.Pro961Ala (NM_001292009.2); short protein forms P961A.
Identifiers: ClinVar variation 1392349 (VCV001392349.6), dbSNP rs1170138781, ClinGen allele CA364788843.